The following is an entry in ClinVar:

NM_000629.3(IFNAR1):c.1018A>G (p.Arg340Gly)

Gene: IFNAR1 (interferon alpha and beta receptor subunit 1; plus strand). Cytogenetic location: 21q22.11.
Variant type: single nucleotide variant.
Coding change: c.1018A>G on transcript NM_000629.3 (MANE Select); coding-DNA position 1018, A replaced by G.
Protein change: p.Arg340Gly; replaces arginine 340 with glycine.
Molecular consequence: missense variant.
Genome position (GRCh38, 1-based): chr21:33,349,418, A>G. VCF-style: chr21-33349418-A-G. GRCh37 (hg19) VCF-style: chr21-34721724-A-G.
Other names: c.1018A>G, p.Arg340Gly (NM_001384498.1, NM_001384499.1, NM_001384503.1); c.256A>G, p.Arg86Gly (NM_001384500.1); c.1003A>G, p.Arg335Gly (NM_001384501.1); c.556A>G, p.Arg186Gly (NM_001384502.1); c.811A>G, p.Arg271Gly (NM_001384504.1); c.1018A>G (NM_000629.2); short protein forms R186G, R340G, R86G, R271G, R335G.
Identifiers: ClinVar variation 1379320 (VCV001379320.4), dbSNP rs117784176, ClinGen allele CA10006641.

ClinVar aggregate classification (germline): Uncertain significance. Review status: criteria provided, multiple submitters, no conflicts (2 of 4 stars). 2 submissions from 2 submitters: Uncertain significance (2). Last evaluated 2022-08-16.

Allele frequency attached by ClinVar (database versions not stated): ESP Exome Variant Server 0.00015; 1000 Genomes Project 30x 0.00016; gnomAD 0.00017 and 0.00019; ExAC 0.00018; 1000 Genomes Project 0.00020; gnomAD exomes 0.00020 and 0.00024; TOPMed 0.00020.

Submissions (2):

Labcorp Genetics (formerly Invitae), Labcorp
Classification: Uncertain significance. Last evaluated: 2022-08-16. Review status: criteria provided, single submitter. Criteria: Invitae Variant Classification Sherloc (09022015). Collection method: clinical testing. Allele origin: germline.
Comment: This sequence change replaces arginine, which is basic and polar, with glycine, which is neutral and non-polar, at codon 340 of the IFNAR1 protein (p.Arg340Gly). This variant is present in population databases (rs117784176, gnomAD 0.09%). This variant has not been reported in the literature in individuals affected with IFNAR1-related conditions. ClinVar contains an entry for this variant (Variation ID: 1379320). Algorithms developed to predict the effect of missense changes on protein structure and function (SIFT, PolyPhen-2, Align-GVGD) all suggest that this variant is likely to be tolerated. In summary, the available evidence is currently insufficient to determine the role of this variant in disease. Therefore, it has been classified as a Variant of Uncertain Significance.

Ambry Genetics
Classification: Uncertain significance. Last evaluated: 2021-07-28. Review status: criteria provided, single submitter. Criteria: Ambry Variant Classification Scheme 2023. Collection method: clinical testing. Allele origin: germline.